The following is an entry in ClinVar:

ClinVar aggregate classification (germline): Uncertain significance. Review status: criteria provided, multiple submitters, no conflicts (2 of 4 stars). 2 submissions from 2 submitters: Uncertain significance (2). Last evaluated 2024-12-03.

Conditions:
Inborn genetic diseases. Identifiers: MedGen C0950123, MeSH D030342.

Allele frequency attached by ClinVar (database versions not stated): ExAC 0.00003.
gnomAD v4.1: 13 of 1,613,640 alleles (0.00081%); highest among the groups gnomAD compares: East Asian, 0.02%; no homozygotes.

Submissions (2):

Ambry Genetics
Classification: Uncertain significance for Inborn genetic diseases. Last evaluated: 2024-12-03. Review status: criteria provided, single submitter. Criteria: Ambry Variant Classification Scheme 2023. Collection method: clinical testing. Allele origin: germline.

Labcorp Genetics (formerly Invitae), Labcorp
Classification: Uncertain significance. Last evaluated: 2022-08-05. Review status: criteria provided, single submitter. Criteria: Invitae Variant Classification Sherloc (09022015). Collection method: clinical testing. Allele origin: germline.
Comment: This sequence change replaces proline, which is neutral and non-polar, with serine, which is neutral and polar, at codon 393 of the COL9A1 protein (p.Pro393Ser). This variant is present in population databases (rs777952773, gnomAD 0.05%). This variant has not been reported in the literature in individuals affected with COL9A1-related conditions. Advanced modeling of protein sequence and biophysical properties (such as structural, functional, and spatial information, amino acid conservation, physicochemical variation, residue mobility, and thermodynamic stability) performed at Invitae indicates that this missense variant is not expected to disrupt COL9A1 protein function. In summary, the available evidence is currently insufficient to determine the role of this variant in disease. Therefore, it has been classified as a Variant of Uncertain Significance.

NM_001851.6(COL9A1):c.1177C>T (p.Pro393Ser)

Genes: COL9A1 (collagen type IX alpha 1 chain; minus strand), LOC129996692 (ATAC-STARR-seq lymphoblastoid active region 24730; plus strand). Cytogenetic location: 6q13.
Variant type: single nucleotide variant.
Coding change: c.1177C>T on transcript NM_001851.6 (MANE Select); coding-DNA position 1177, C replaced by T.
Protein change: p.Pro393Ser; replaces proline 393 with serine.
Molecular consequence: missense variant. On other transcripts: non-coding transcript variant (1).
Genome position (GRCh38, 1-based): chr6:70,270,334, G>A on the plus strand (C>T on the coding strand, the complement: COL9A1 is on the minus strand). VCF-style: chr6-70270334-G-A. GRCh37 (hg19) VCF-style: chr6-70980037-G-A.
Other names: c.448C>T, p.Pro150Ser (NM_001377289.1, NM_001377290.1, NM_078485.4); c.1177C>T (NM_001851.4); short protein forms P150S, P393S.
Identifiers: ClinVar variation 2059586 (VCV002059586.2), dbSNP rs777952773, ClinGen allele CA3882361.